The following is an entry in ClinVar:

ClinVar aggregate classification (germline): Benign/Likely benign. Review status: criteria provided, multiple submitters, no conflicts (2 of 4 stars). 3 submissions from 3 submitters: Benign (1); Likely benign (1). 1 of the submissions does not count toward it. Last evaluated 2024-04-06.

Conditions:
TBC1D7-related disorder. Also called: TBC1D7-related condition.

Allele frequency attached by ClinVar (database versions not stated): TOPMed 0.00061; ExAC 0.00077; gnomAD 0.00020 and 0.00032; gnomAD exomes 0.00083; 1000 Genomes Project 30x 0.00234; 1000 Genomes Project 0.00200.
gnomAD v4.1: 428 of 1,614,062 alleles (0.027%); highest among the groups gnomAD compares: East Asian, 0.9%; 1 homozygote.

Submissions (3):

Labcorp Genetics (formerly Invitae), Labcorp
Classification: Benign. Last evaluated: 2024-04-06. Review status: criteria provided, single submitter. Criteria: Invitae Variant Classification Sherloc (09022015). Collection method: clinical testing. Allele origin: germline.

Genetic Services Laboratory, University of Chicago
Classification: Likely benign. Last evaluated: 2016-05-09. Review status: criteria provided, single submitter. Criteria: ACMG Guidelines, 2015. Collection method: clinical testing. Allele origin: germline. Affected: no.

PreventionGenetics, part of Exact Sciences
Classification: Benign for TBC1D7-related condition. Last evaluated: 2019-05-24. Review status: no assertion criteria provided. Collection method: clinical testing. Allele origin: germline. Not counted in ClinVar's aggregate classification.
Comment: This variant is classified as benign based on ACMG/AMP sequence variant interpretation guidelines (Richards et al. 2015 PMID: 25741868, with internal and published modifications).

NM_016495.6(TBC1D7):c.406G>A (p.Ala136Thr)

Genes: TBC1D7 (TBC1 domain family member 7; minus strand), TBC1D7-LOC100130357 (TBC1D7-LOC100130357 readthrough; minus strand). Cytogenetic location: 6p24.1.
Variant type: single nucleotide variant.
Coding change: c.406G>A on transcript NM_016495.6 (MANE Select); coding-DNA position 406, G replaced by A.
Protein change: p.Ala136Thr; replaces alanine 136 with threonine.
Molecular consequence: missense variant. On other transcripts: non-coding transcript variant (1), intron variant (1).
Genome position (GRCh38, 1-based): chr6:13,316,684, C>T on the plus strand (G>A on the coding strand, the complement: TBC1D7 is on the minus strand). VCF-style: chr6-13316684-C-T. GRCh37 (hg19) VCF-style: chr6-13316916-C-T.
Other names: c.406G>A, p.Ala136Thr (NM_001318809.2, NM_001143964.4, NM_001143965.4 and 1 more transcripts); c.325G>A, p.Ala109Thr (NM_001143966.4); c.381+4224G>A (NM_001258457.3); short protein forms A136T, A109T.
Identifiers: ClinVar variation 436956 (VCV000436956.15), dbSNP rs9381921, ClinGen allele CA3639752.